The following is an entry in ClinVar:

NM_003476.5(CSRP3):c.266G>C (p.Gly89Ala)

Gene: CSRP3 (cysteine and glycine rich protein 3; minus strand). Cytogenetic location: 11p15.1.
Variant type: single nucleotide variant.
Coding change: c.266G>C on transcript NM_003476.5 (MANE Select); coding-DNA position 266, G replaced by C.
Protein change: p.Gly89Ala; replaces glycine 89 with alanine.
Molecular consequence: missense variant. On other transcripts: intron variant (1).
Genome position (GRCh38, 1-based): chr11:19,188,151, C>G on the plus strand (G>C on the coding strand, the complement: CSRP3 is on the minus strand). VCF-style: chr11-19188151-C-G. GRCh37 (hg19) VCF-style: chr11-19209698-C-G.
Other names: c.266G>C, p.Gly89Ala (NM_001127656.1); c.113-1803G>C (NM_001369404.1); short protein forms G89A.
Identifiers: ClinVar variation 2630570 (VCV002630570.1), dbSNP rs2494223190, ClinGen allele CA379888142.

ClinVar aggregate classification (germline): Uncertain significance (1 of 4 stars; one submission).

Conditions:
CSRP3-related disorder. Also called: CSRP3-related condition; CSRP3-related disorders.

Submission:

PreventionGenetics, part of Exact Sciences
Classification: Uncertain significance for CSRP3-related condition. Last evaluated: 2023-01-30. Review status: criteria provided, single submitter. Criteria: ACMG Guidelines, 2015. Collection method: clinical testing. Allele origin: germline.
Comment: The CSRP3 c.266G>C variant is predicted to result in the amino acid substitution p.Gly89Ala. To our knowledge, this variant has not been reported in the literature or in a large population database, indicating this variant is rare. A different nucleotide substitution affecting the same amino acid (p.Gly89Cys) has been reported in an individual with dilated cardiomyopathy (Table S4, Verdonschot et al. 2020. PubMed ID: 32880476). At this time, the clinical significance of the c.266G>C (p.Gly89Ala) variant is uncertain due to the absence of conclusive functional and genetic evidence.